The following is an entry in ClinVar:

ClinVar aggregate classification (germline): Uncertain significance (1 of 4 stars; one submission).

Submission:

Labcorp Genetics (formerly Invitae), Labcorp
Classification: Uncertain significance. Last evaluated: 2024-01-18. Review status: criteria provided, single submitter. Criteria: Invitae Variant Classification Sherloc (09022015). Collection method: clinical testing. Allele origin: germline.
Comment: This sequence change replaces glutamic acid, which is acidic and polar, with aspartic acid, which is acidic and polar, at codon 2085 of the POLE protein (p.Glu2085Asp). This variant is not present in population databases (gnomAD no frequency). This variant has not been reported in the literature in individuals affected with POLE-related conditions. Advanced modeling of protein sequence and biophysical properties (such as structural, functional, and spatial information, amino acid conservation, physicochemical variation, residue mobility, and thermodynamic stability) performed at Invitae indicates that this missense variant is not expected to disrupt POLE protein function with a negative predictive value of 80%. In summary, the available evidence is currently insufficient to determine the role of this variant in disease. Therefore, it has been classified as a Variant of Uncertain Significance.

NM_006231.4(POLE):c.6255G>C (p.Glu2085Asp)

Gene: POLE (DNA polymerase epsilon, catalytic subunit; minus strand). Cytogenetic location: 12q24.33.
Variant type: single nucleotide variant.
Coding change: c.6255G>C on transcript NM_006231.4 (MANE Select); coding-DNA position 6255, G replaced by C.
Protein change: p.Glu2085Asp; replaces glutamic acid 2085 with aspartic acid.
Molecular consequence: missense variant.
Genome position (GRCh38, 1-based): chr12:132,632,390, C>G on the plus strand (G>C on the coding strand, the complement: POLE is on the minus strand). VCF-style: chr12-132632390-C-G. GRCh37 (hg19) VCF-style: chr12-133208976-C-G.
Other names: short protein forms E2085D.
Identifiers: ClinVar variation 2709968 (VCV002709968.3), dbSNP rs1057524260, ClinGen allele CA387369522.